The following is an entry in ClinVar:

NM_001384732.1(CPLANE1):c.4175A>G (p.His1392Arg)

Gene: CPLANE1 (ciliogenesis and planar polarity effector complex subunit 1; minus strand). Cytogenetic location: 5p13.2.
Variant type: single nucleotide variant.
Coding change: c.4175A>G on transcript NM_001384732.1 (MANE Select); coding-DNA position 4175, A replaced by G.
Protein change: p.His1392Arg; replaces histidine 1392 with arginine.
Molecular consequence: missense variant.
Genome position (GRCh38, 1-based): chr5:37,186,300, T>C on the plus strand (A>G on the coding strand, the complement: CPLANE1 is on the minus strand). VCF-style: chr5-37186300-T-C. GRCh37 (hg19) VCF-style: chr5-37186402-T-C.
Other names: c.4175A>G, p.His1392Arg (NM_023073.4); short protein forms H1392R.
Identifiers: ClinVar variation 1381449 (VCV001381449.6), dbSNP rs753392667, ClinGen allele CA117070496.

ClinVar aggregate classification (germline): Uncertain significance. Review status: criteria provided, multiple submitters, no conflicts (2 of 4 stars). 2 submissions from 2 submitters: Uncertain significance (2). Last evaluated 2022-08-16.

Conditions:
Joubert syndrome 17 (JBTS17). Identifiers: Orphanet 475, MedGen C3553264, MONDO:0013824, OMIM 614615.
Orofaciodigital syndrome type 6 (OFD6). Also called: OROFACIODIGITAL SYNDROME VI; OFDS VI; POLYDACTYLY, CLEFT LIP/PALATE OR LINGUAL LUMP, AND PSYCHOMOTOR RETARDATION; VARADI SYNDROME; VARADI-PAPP SYNDROME; Oral-facial-digital syndrome type 6. Identifiers: Orphanet 2754, MedGen C2745997, MONDO:0010176, OMIM 277170.

Allele frequency attached by ClinVar (database versions not stated): gnomAD 0.00001; gnomAD exomes 0.00002; TOPMed 0.00002.
gnomAD v4.1: 30 of 1,508,328 alleles (0.002%); highest among the groups gnomAD compares: Middle Eastern, 0.017%; no homozygotes.

Submissions (2):

Labcorp Genetics (formerly Invitae), Labcorp
Classification: Uncertain significance. Last evaluated: 2022-08-16. Review status: criteria provided, single submitter. Criteria: Invitae Variant Classification Sherloc (09022015). Collection method: clinical testing. Allele origin: germline.
Comment: This variant has not been reported in the literature in individuals affected with CPLANE1-related conditions. ClinVar contains an entry for this variant (Variation ID: 1381449). This sequence change replaces histidine, which is basic and polar, with arginine, which is basic and polar, at codon 1392 of the CPLANE1 protein (p.His1392Arg). This variant is present in population databases (rs753392667, gnomAD 0.002%). Advanced modeling of protein sequence and biophysical properties (such as structural, functional, and spatial information, amino acid conservation, physicochemical variation, residue mobility, and thermodynamic stability) performed at Invitae indicates that this missense variant is not expected to disrupt CPLANE1 protein function. In summary, the available evidence is currently insufficient to determine the role of this variant in disease. Therefore, it has been classified as a Variant of Uncertain Significance.

Fulgent Genetics
Classification: Uncertain significance for Orofaciodigital syndrome type 6; Joubert syndrome 17. Last evaluated: 2021-10-14. Review status: criteria provided, single submitter. Criteria: ACMG Guidelines, 2015. Collection method: clinical testing. Allele origin: unknown.